The following is an entry in ClinVar:

NM_020779.4(WDR35):c.3170A>G (p.Tyr1057Cys)

Gene: WDR35 (WD repeat domain 35; minus strand). Cytogenetic location: 2p24.1.
Variant type: single nucleotide variant.
Coding change: c.3170A>G on transcript NM_020779.4 (MANE Select); coding-DNA position 3170, A replaced by G.
Protein change: p.Tyr1057Cys; replaces tyrosine 1057 with cysteine.
Molecular consequence: missense variant.
Genome position (GRCh38, 1-based): chr2:19,914,229, T>C on the plus strand (A>G on the coding strand, the complement: WDR35 is on the minus strand). VCF-style: chr2-19914229-T-C. GRCh37 (hg19) VCF-style: chr2-20113990-T-C.
Other names: c.3203A>G, p.Tyr1068Cys (NM_001006657.2); short protein forms Y1068C, Y1057C.
Identifiers: ClinVar variation 440412 (VCV000440412.13), dbSNP rs541910371, ClinGen allele CA1542728.

ClinVar aggregate classification (germline): Conflicting classifications of pathogenicity. Review status: criteria provided, conflicting classifications (1 of 4 stars). 5 submissions from 5 submitters: Likely pathogenic (2); Uncertain significance (2). 1 of the submissions does not count toward it. Last evaluated 2024-04-24.

Conditions:
Cranioectodermal dysplasia 2 (CED2). Identifiers: Orphanet 1515, MedGen C3150874, MONDO:0013323, OMIM 613610.
Short-rib thoracic dysplasia 7 with or without polydactyly (SRTD7). Also called: Short rib polydactyly syndrome 5; SHORT-RIB THORACIC DYSPLASIA 7 WITH POLYDACTYLY. Identifiers: Orphanet 498497, Orphanet 93271, MedGen C3279792, MONDO:0013569, OMIM 614091.
Inborn genetic diseases. Identifiers: MedGen C0950123, MeSH D030342.

Allele frequency attached by ClinVar (database versions not stated): ExAC 0.00001; gnomAD 0.00003; TOPMed 0.00003.
gnomAD v4.1: 15 of 1,613,858 alleles (0.00093%); highest among the groups gnomAD compares: African/African-American, 0.0027%; no homozygotes.

Submissions (5):

Fulgent Genetics
Classification: Uncertain significance for Cranioectodermal dysplasia 2; Short-rib thoracic dysplasia 7 with or without polydactyly. Last evaluated: 2024-04-24. Review status: criteria provided, single submitter. Criteria: ACMG Guidelines, 2015. Collection method: clinical testing. Allele origin: germline.

Ambry Genetics
Classification: Likely pathogenic for Inborn genetic diseases. Last evaluated: 2023-10-31. Review status: criteria provided, single submitter. Criteria: Ambry Variant Classification Scheme 2023. Collection method: clinical testing. Allele origin: germline.
Comment: The c.3203A>G (p.Y1068C) alteration is located in coding exon 27 of the WDR35 gene. This alteration results from an A to G substitution at nucleotide position 3203, causing the tyrosine (Y) at amino acid position 1068 to be replaced by a cysteine (C). Based on data from gnomAD, the G allele has an overall frequency of 0.001% (2/251262) total alleles studied. The highest observed frequency was 0.012% (2/16148) of African alleles. This variant has been reported as a compound heterozygous finding in trans in a child diagnosed with cranioectodermal dysplasia/Sensenbrenner syndrome (Lin, 2013; Li, 2023). This amino acid position is highly conserved in available vertebrate species. This alteration is predicted to be deleterious by in silico analysis. Based on the available evidence, this alteration is classified as likely pathogenic.

Baylor Genetics
Classification: Uncertain significance for Cranioectodermal dysplasia 2. Last evaluated: 2017-09-01. Review status: criteria provided, single submitter. Criteria: ACMG Guidelines, 2015. Collection method: clinical testing. Allele origin: maternal. Inheritance: Autosomal recessive inheritance. Affected: yes.
Comment: Heterozygotes would be expected to be asymptomatic carriers.

ARUP Laboratories, Molecular Genetics and Genomics, ARUP Laboratories
Classification: Likely pathogenic. Last evaluated: 2017-01-17. Review status: criteria provided, single submitter. Criteria: ARUP Molecular Germline Variant Investigation Process. Collection method: clinical testing. Allele origin: germline.

OMIM
Classification: Pathogenic for CRANIOECTODERMAL DYSPLASIA 2. Last evaluated: 2018-02-06. Review status: no assertion criteria provided. Collection method: literature only. Allele origin: germline. Not counted in ClinVar's aggregate classification.

Literature cited by the submitters: PubMed 24123776 (cited by 3 submitters); PubMed 32804427 (cited by Ambry Genetics); PubMed 37596520 (cited by Ambry Genetics); PubMed 25326635 (cited by Baylor Genetics).